The following is an entry in ClinVar:

NM_000018.4(ACADVL):c.1895G>A (p.Arg632His)

Gene: ACADVL (acyl-CoA dehydrogenase very long chain; plus strand). Cytogenetic location: 17p13.1.
Variant type: single nucleotide variant.
Coding change: c.1895G>A on transcript NM_000018.4 (MANE Select); coding-DNA position 1895, G replaced by A.
Protein change: p.Arg632His; replaces arginine 632 with histidine.
Molecular consequence: missense variant.
Genome position (GRCh38, 1-based): chr17:7,225,024, G>A. VCF-style: chr17-7225024-G-A. GRCh37 (hg19) VCF-style: chr17-7128343-G-A.
Other names: c.1829G>A, p.Arg610His (NM_001033859.3); c.1964G>A, p.Arg655His (NM_001270447.2); c.1667G>A, p.Arg556His (NM_001270448.2); short protein forms R655H, R610H, R632H, R556H.
Identifiers: ClinVar variation 2083212 (VCV002083212.1), dbSNP rs769885223, ClinGen allele CA8338309.

ClinVar aggregate classification (germline): Uncertain significance (1 of 4 stars; one submission).

Conditions:
Very long chain acyl-CoA dehydrogenase deficiency (ACADVLD). Also called: Very Long-Chain Acyl-Coenzyme A Dehydrogenase Deficiency; VLCAD Deficiency. Identifiers: Orphanet 26793, MedGen C3887523, MONDO:0008723, OMIM 201475.

Allele frequency attached by ClinVar (database versions not stated): ExAC 0.00001.
gnomAD v4.1: 6 of 1,614,066 alleles (0.00037%); highest among the groups gnomAD compares: South Asian, 0.0011%; no homozygotes.

Submission:

Labcorp Genetics (formerly Invitae), Labcorp
Classification: Uncertain significance for Very long chain acyl-CoA dehydrogenase deficiency. Last evaluated: 2022-06-21. Review status: criteria provided, single submitter. Criteria: Invitae Variant Classification Sherloc (09022015). Collection method: clinical testing. Allele origin: germline.
Comment: This sequence change replaces arginine, which is basic and polar, with histidine, which is basic and polar, at codon 632 of the ACADVL protein (p.Arg632His). This variant is present in population databases (rs769885223, gnomAD 0.006%). This variant has not been reported in the literature in individuals affected with ACADVL-related conditions. Algorithms developed to predict the effect of missense changes on protein structure and function (SIFT, PolyPhen-2, Align-GVGD) all suggest that this variant is likely to be tolerated. In summary, the available evidence is currently insufficient to determine the role of this variant in disease. Therefore, it has been classified as a Variant of Uncertain Significance.